The following is an entry in ClinVar:

ClinVar aggregate classification (germline): Uncertain significance (1 of 4 stars; one submission).

Submission:

CeGaT Center for Human Genetics Tuebingen
Classification: Uncertain significance. Last evaluated: 2025-11-01. Review status: criteria provided, single submitter. Criteria: CeGaT Center For Human Genetics Tuebingen Variant Classification Criteria Version 2. Collection method: clinical testing. Allele origin: germline. Affected: yes. Observed: 1 variant allele.
Comment: BMP15: PM2, BP4

NM_005448.2(BMP15):c.653T>C (p.Leu218Pro)

Gene: BMP15 (bone morphogenetic protein 15; plus strand). Cytogenetic location: Xp11.22.
Variant type: single nucleotide variant.
Coding change: c.653T>C on transcript NM_005448.2 (MANE Select); coding-DNA position 653, T replaced by C.
Protein change: p.Leu218Pro; replaces leucine 218 with proline.
Molecular consequence: missense variant.
Genome position (GRCh38, 1-based): chrX:50,916,081, T>C. VCF-style: chrX-50916081-T-C. GRCh37 (hg19) VCF-style: chrX-50659081-T-C.
Other names: short protein forms L218P.
Identifiers: ClinVar variation 4534689 (VCV004534689.6).